The following is an entry in ClinVar:

NM_001104631.2(PDE4D):c.1188+4T>C

Gene: PDE4D (phosphodiesterase 4D; minus strand). Cytogenetic location: 5q11.2.
Variant type: single nucleotide variant.
Coding change: c.1188+4T>C on transcript NM_001104631.2 (MANE Select); 4 bases into the intron after coding-DNA position 1188, T replaced by C.
Molecular consequence: intron variant.
Genome position (GRCh38, 1-based): chr5:58,991,828, A>G on the plus strand (T>C on the coding strand, the complement: PDE4D is on the minus strand). VCF-style: chr5-58991828-A-G. GRCh37 (hg19) VCF-style: chr5-58287655-A-G.
Other names: c.1005+4T>C (NM_001364599.1, NM_001165899.2); c.420+4T>C (NM_001349243.2, NM_001364604.1); c.975+4T>C (NM_001349241.2); c.996+4T>C (NM_001197218.2); c.282+4T>C (NM_001364603.1, NM_001197221.2); c.780+4T>C (NM_006203.5); c.858+4T>C (NM_001349242.2); c.822+4T>C (NM_001197219.2); and 3 more.
Identifiers: ClinVar variation 4714252 (VCV004714252.1).
Genomic context (GRCh38, chr5:58,991,828, plus strand): 5'-AAGTGAAAATTCATGAAAGGGCATCATTTAATATTTATGATCCTGATCTTTGAAATCATC[A>G]TACCTTGGCAAGGACATCTTCTTGTTCAGTTTTAACTCCAAACCTTGGGATACTTGAATT-3'

ClinVar aggregate classification (germline): Uncertain significance (1 of 4 stars; one submission).

Submission:

Labcorp Genetics (formerly Invitae), Labcorp
Classification: Uncertain significance. Last evaluated: 2025-03-04. Review status: criteria provided, single submitter. Criteria: Invitae Variant Classification Sherloc (09022015). Collection method: clinical testing. Allele origin: germline.
Comment: This sequence change falls in intron 8 of the PDE4D gene. It does not directly change the encoded amino acid sequence of the PDE4D protein. It affects a nucleotide within the consensus splice site. This variant is not present in population databases (gnomAD no frequency). This variant has not been reported in the literature in individuals affected with PDE4D-related conditions. Variants that disrupt the consensus splice site are a relatively common cause of aberrant splicing (PMID: 17576681, 9536098). Algorithms developed to predict the effect of sequence changes on RNA splicing suggest that this variant is not likely to affect RNA splicing. In summary, the available evidence is currently insufficient to determine the role of this variant in disease. Therefore, it has been classified as a Variant of Uncertain Significance.

Literature cited by the submitters: PubMed 17576681; PubMed 9536098.